The following is an entry in ClinVar:

ClinVar aggregate classification (germline): Pathogenic (1 of 4 stars; one submission).

Submission:

GeneDx
Classification: Pathogenic. Last evaluated: 2017-04-12. Review status: criteria provided, single submitter. Criteria: GeneDx Variant Classification (06012015). Collection method: clinical testing. Allele origin: germline. Affected: yes.
Comment: The c.348_388del41insAGAA pathogenic variant in the NR0B1 gene causes a frameshift starting with codon Arginine 117, changes this amino acid to a Glutamic acid residue and creates a premature Stop codon at position 135 of the new reading frame, denoted p.Arg117GlufsX135. This pathogenic variant is predicted to cause loss of normal protein function either through protein truncation or nonsense-mediated mRNA decay. The c.348_388del41insAGAA variant is not observed in large population cohorts (Exome Variant Server).

NM_000475.5(NR0B1):c.348_388delinsAGAA (p.Arg117fs)

Gene: NR0B1 (nuclear receptor subfamily 0 group B member 1; minus strand). Cytogenetic location: Xp21.2.
Variant type: Indel.
Coding change: c.348_388delinsAGAA on transcript NM_000475.5 (MANE Select); coding-DNA positions 348 to 388, the reference bases replaced by AGAA.
Protein change: p.Arg117fs; shifts the reading frame from arginine 117.
Molecular consequence: frameshift variant.
Genome position (GRCh38, 1-based): chrX:30,308,976-30,309,016, 41 bases replaced. GRCh37 (hg19): chrX:30,327,093-30,327,133.
Other names: short protein forms R117fs.
Identifiers: ClinVar variation 426547 (VCV000426547.1), dbSNP rs1085307677, ClinGen allele CA645294128.